The following is an entry in ClinVar:

ClinVar aggregate classification (germline): Uncertain significance. Review status: criteria provided, multiple submitters, no conflicts (2 of 4 stars). 2 submissions from 2 submitters: Uncertain significance (2). Last evaluated 2025-11-03.

Conditions:
Hereditary cancer-predisposing syndrome. Also called: Tumor predisposition; Hereditary neoplastic syndrome; Neoplastic Syndromes, Hereditary; Hereditary Cancer Syndrome. Identifiers: Orphanet 140162, MedGen C0027672, MeSH D009386, MONDO:0015356.
Parathyroid carcinoma (PRTC). Also called: Parathyroid gland carcinoma; CDC73-Related Parathyroid Carcinoma. Identifiers: Orphanet 143, MedGen C0687150, MONDO:0012004, OMIM 608266, HP:0006780.

Submissions (2):

Ambry Genetics
Classification: Uncertain significance for Hereditary cancer-predisposing syndrome. Last evaluated: 2025-11-03. Review status: criteria provided, single submitter. Criteria: Ambry Variant Classification Scheme 2023. Collection method: clinical testing. Allele origin: germline.
Comment: The p.K283T variant (also known as c.848A>C), located in coding exon 9 of the CDC73 gene, results from an A to C substitution at nucleotide position 848. The lysine at codon 283 is replaced by threonine, an amino acid with similar properties. This amino acid position is conserved. In addition, this alteration is predicted to be tolerated by in silico analysis. Based on the available evidence, the clinical significance of this variant remains unclear.

Labcorp Genetics (formerly Invitae), Labcorp
Classification: Uncertain significance for Parathyroid carcinoma. Last evaluated: 2022-08-09. Review status: criteria provided, single submitter. Criteria: Invitae Variant Classification Sherloc (09022015). Collection method: clinical testing. Allele origin: germline.
Comment: This sequence change replaces lysine, which is basic and polar, with threonine, which is neutral and polar, at codon 283 of the CDC73 protein (p.Lys283Thr). This variant is not present in population databases (gnomAD no frequency). This variant has not been reported in the literature in individuals affected with CDC73-related conditions. ClinVar contains an entry for this variant (Variation ID: 856572). Algorithms developed to predict the effect of missense changes on protein structure and function (SIFT, PolyPhen-2, Align-GVGD) all suggest that this variant is likely to be tolerated. In summary, the available evidence is currently insufficient to determine the role of this variant in disease. Therefore, it has been classified as a Variant of Uncertain Significance.

NM_024529.5(CDC73):c.848A>C (p.Lys283Thr)

Gene: CDC73 (cell division cycle 73; plus strand). Cytogenetic location: 1q31.2.
Variant type: single nucleotide variant.
Coding change: c.848A>C on transcript NM_024529.5 (MANE Select); coding-DNA position 848, A replaced by C.
Protein change: p.Lys283Thr; replaces lysine 283 with threonine.
Molecular consequence: missense variant.
Genome position (GRCh38, 1-based): chr1:193,150,323, A>C. VCF-style: chr1-193150323-A-C. GRCh37 (hg19) VCF-style: chr1-193119453-A-C.
Other names: short protein forms K283T.
Identifiers: ClinVar variation 856572 (VCV000856572.11), dbSNP rs1676083588, ClinGen allele CA343964943.